The following is an entry in ClinVar:

NM_020911.2(PLXNA4):c.228C>T (p.Ser76=)

Gene: PLXNA4 (plexin A4; minus strand). Cytogenetic location: 7q32.3.
Variant type: single nucleotide variant.
Coding change: c.228C>T on transcript NM_020911.2 (MANE Select); coding-DNA position 228, C replaced by T.
Protein change: p.Ser76=; no amino-acid change (serine 76 retained).
Molecular consequence: synonymous variant.
Genome position (GRCh38, 1-based): chr7:132,508,466, G>A on the plus strand (C>T on the coding strand, the complement: PLXNA4 is on the minus strand). VCF-style: chr7-132508466-G-A. GRCh37 (hg19) VCF-style: chr7-132193225-G-A.
Other names: c.228C>T, p.Ser76= (NM_001105543.2, NM_001393897.1, NM_181775.4).
Identifiers: ClinVar variation 3055333 (VCV003055333.2), dbSNP rs78248128, ClinGen allele CA4490529.

ClinVar aggregate classification (germline): Benign (0 of 4 stars; one submission).

Conditions:
PLXNA4-related disorder. Also called: PLXNA4-related condition.

Allele frequency attached by ClinVar (database versions not stated): ExAC 0.01316; gnomAD 0.03263; ESP Exome Variant Server 0.03637; 1000 Genomes Project 0.03774; TOPMed 0.03819; 1000 Genomes Project 30x 0.04013.
gnomAD v4.1: 12,451 of 1,614,154 alleles (0.77%); highest among the groups gnomAD compares: African/African-American, 11%; 487 homozygotes.

Submission:

PreventionGenetics, part of Exact Sciences
Classification: Benign for PLXNA4-related condition. Last evaluated: 2022-11-22. Review status: no assertion criteria provided. Collection method: clinical testing. Allele origin: germline.
Comment: This variant is classified as benign based on ACMG/AMP sequence variant interpretation guidelines (Richards et al. 2015 PMID: 25741868, with internal and published modifications).